The following is an entry in ClinVar:

ClinVar aggregate classification (germline): Uncertain significance. Review status: criteria provided, multiple submitters, no conflicts (2 of 4 stars). 2 submissions from 2 submitters: Uncertain significance (2). Last evaluated 2026-09-09.

Conditions:
PLEC-related disorder. Also called: PLEC-related disorders; PLEC-related condition.
Epidermolysis bullosa simplex 5C, with pyloric atresia (EBS5C). Also called: PLEC-Related Epidermolysis Bullosa with Pyloric Atresia; Epidermolysis bullosa simplex with pyloric atresia; PLEC1-Related Epidermolysis Bullosa with Pyloric Atresia. Identifiers: Orphanet 158684, MedGen C2677349, MONDO:0012807, OMIM 612138.
Autosomal recessive limb-girdle muscular dystrophy type 2Q (LGMDR17). Also called: MUSCULAR DYSTROPHY, LIMB-GIRDLE, AUTOSOMAL RECESSIVE 17. Identifiers: Orphanet 254361, MedGen C3150989, MONDO:0013390, OMIM 613723.
Epidermolysis bullosa simplex with nail dystrophy (EBS5D). Identifiers: MedGen C4225309, MONDO:0014661, OMIM 616487.
Epidermolysis bullosa simplex 5B, with muscular dystrophy (EBS5B). Also called: EPIDERMOLYSIS BULLOSA SIMPLEX AND LIMB-GIRDLE MUSCULAR DYSTROPHY; Epidermolysis bullosa simplex with muscular dystrophy. Identifiers: Orphanet 257, MedGen C2931072, MONDO:0009181, OMIM 226670.
Epidermolysis bullosa simplex, Ogna type (EBS5A). Also called: Pidermolysis bullosa simplex 5A, Ogna type; EPIDERMOLYSIS BULLOSA SIMPLEX 5A, OGNA TYPE. Identifiers: Orphanet 79401, MedGen C0432317, MONDO:0007555, OMIM 131950.

Allele frequency attached by ClinVar (database versions not stated): gnomAD 0.00002; TOPMed 0.00002.
gnomAD v4.1: 21 of 1,606,874 alleles (0.0013%); highest among the groups gnomAD compares: Non-Finnish European, 0.0018%; no homozygotes.

Submissions (2):

PreventionGenetics, part of Exact Sciences
Classification: Uncertain significance for PLEC-related condition. Last evaluated: 2026-09-09. Review status: criteria provided, single submitter. Criteria: ACMG Guidelines, 2015. Collection method: clinical testing. Allele origin: germline.
Comment: The PLEC c.131G>A variant is predicted to result in the amino acid substitution p.Gly44Asp. To our knowledge, this variant has not been reported in the literature. This variant is reported in 0.0027% of alleles in individuals of European (Non-Finnish) descent in gnomAD. At this time, the clinical significance of this variant is uncertain due to the absence of conclusive functional and genetic evidence.

Labcorp Genetics (formerly Invitae), Labcorp
Classification: Uncertain significance for Autosomal recessive limb-girdle muscular dystrophy type 2Q; Epidermolysis bullosa simplex, Ogna type; Epidermolysis bullosa simplex with nail dystrophy; Epidermolysis bullosa simplex 5C, with pyloric atresia; Epidermolysis bullosa simplex 5B, with muscular dystrophy. Last evaluated: 2025-11-06. Review status: criteria provided, single submitter. Criteria: Invitae Variant Classification Sherloc (09022015). Collection method: clinical testing. Allele origin: germline.
Comment: This sequence change replaces glycine, which is neutral and non-polar, with aspartic acid, which is acidic and polar, at codon 44 of the PLEC protein (p.Gly44Asp). This variant is present in population databases (rs782602309, gnomAD 0.003%). This variant has not been reported in the literature in individuals affected with PLEC-related conditions. ClinVar contains an entry for this variant (Variation ID: 837326). Experimental studies and prediction algorithms are not available or were not evaluated, and the functional significance of this variant is currently unknown. In summary, the available evidence is currently insufficient to determine the role of this variant in disease. Therefore, it has been classified as a Variant of Uncertain Significance.

NM_000445.5(PLEC):c.131G>A (p.Gly44Asp)

Gene: PLEC (plectin; minus strand). Cytogenetic location: 8q24.3.
Variant type: single nucleotide variant.
Coding change: c.131G>A on transcript NM_000445.5; coding-DNA position 131, G replaced by A.
Protein change: p.Gly44Asp; replaces glycine 44 with aspartic acid.
Molecular consequence: missense variant.
Genome position (GRCh38, 1-based): chr8:143,975,239, C>T on the plus strand (G>A on the coding strand, the complement: PLEC is on the minus strand). VCF-style: chr8-143975239-C-T. GRCh37 (hg19) VCF-style: chr8-145049407-C-T.
Other names: c.131G>A, p.Gly44Asp (NM_001410941.1); short protein forms G44D.
Identifiers: ClinVar variation 837326 (VCV000837326.9), dbSNP rs782602309, ClinGen allele CA4929149.